The following is an entry in ClinVar:

NM_003482.4(KMT2D):c.13715del (p.Asn4572fs)

Gene: KMT2D (lysine methyltransferase 2D; minus strand). Cytogenetic location: 12q13.12.
Variant type: Deletion.
Coding change: c.13715del on transcript NM_003482.4 (MANE Select); coding-DNA position 13715, one base deleted (A; older notation c.13715delA).
Protein change: p.Asn4572fs; shifts the reading frame from asparagine 4572.
Molecular consequence: frameshift variant.
Genome position (GRCh38, 1-based): chr12:49,030,725, T deleted on the plus strand (A on the coding strand, the reverse complement: KMT2D is on the minus strand); the first of 2 consecutive T bases (chr12:49,030,725-49,030,726); deleting either gives the same sequence. VCF-style (leftmost placement, unchanged base first): chr12-49030724-AT-A. GRCh37 (hg19) VCF-style: chr12-49424507-AT-A.
Other names: short protein forms N4572fs.
Identifiers: ClinVar variation 3257325 (VCV003257325.17).

ClinVar aggregate classification (germline): Pathogenic (1 of 4 stars; one submission).

Submission:

CeGaT Center for Human Genetics Tuebingen
Classification: Pathogenic. Last evaluated: 2024-06-01. Review status: criteria provided, single submitter. Criteria: CeGaT Center For Human Genetics Tuebingen Variant Classification Criteria Version 2. Collection method: clinical testing. Allele origin: germline. Affected: yes. Observed: 1 variant allele.
Comment: KMT2D: PVS1, PM2, PS2:Moderate